The following is an entry in ClinVar:

NM_020884.7(MYH7B):c.2238del (p.Lys747fs)

Gene: MYH7B (myosin heavy chain 7B; plus strand). Cytogenetic location: 20q11.22.
Variant type: Deletion.
Coding change: c.2238del on transcript NM_020884.7 (MANE Select); coding-DNA position 2238, one base deleted (G; older notation c.2238delG).
Protein change: p.Lys747fs; shifts the reading frame from lysine 747.
Molecular consequence: frameshift variant.
Genome position (GRCh38, 1-based): chr20:34,993,156, G deleted; the last of 2 consecutive G bases (chr20:34,993,155-34,993,156); deleting either gives the same sequence. VCF-style (leftmost placement, unchanged base first): chr20-34993154-AG-A. GRCh37 (hg19) VCF-style: chr20-33580957-AG-A.
Other names: c.2364delG (NM_020884.3); short protein forms K747fs.
Identifiers: ClinVar variation 422770 (VCV000422770.4), dbSNP rs1064795984, ClinGen allele CA16620928.
Genomic context (GRCh38, chr20:34,993,154, plus strand): 5'-TTTCCCAGGTACCGTATCCTGAACCCCAGTGCCATCCCGGATGACACCTTCATGGACAGC[AG>A]GAAGGCCACAGAGAAACTGCTGGGCTCGCTGGACTTGGATCACACCCAGTACCAGTTTGG-3'

ClinVar aggregate classification (germline): Uncertain significance (1 of 4 stars; one submission).

Submission:

GeneDx
Classification: Uncertain significance. Last evaluated: 2019-09-04. Review status: criteria provided, single submitter. Criteria: GeneDx Variant Classification Process June 2021. Collection method: clinical testing. Allele origin: germline. Affected: yes.
Comment: Not observed in large population cohorts (Lek et al., 2016); Frameshift variant predicted to result in protein truncation or nonsense mediated decay in a gene for which loss-of-function is not a known mechanism of disease; Has not been previously published as pathogenic or benign to our knowledge